The following is an entry in ClinVar:

ClinVar aggregate classification (germline): Likely benign. Review status: criteria provided, multiple submitters, no conflicts (2 of 4 stars). 2 submissions from 2 submitters: Likely benign (2). Last evaluated 2019-07-11.

Conditions:
Inborn genetic diseases. Identifiers: MedGen C0950123, MeSH D030342.

Submissions (2):

Ambry Genetics
Classification: Likely benign for Inborn genetic diseases. Last evaluated: 2019-07-11. Review status: criteria provided, single submitter. Criteria: Ambry Variant Classification Scheme 2023. Collection method: clinical testing. Allele origin: germline.

GeneDx
Classification: Likely benign. Last evaluated: 2016-06-21. Review status: criteria provided, single submitter. Criteria: GeneDx Variant Classification (06012015). Collection method: clinical testing. Allele origin: germline. Affected: yes.
Comment: This variant is considered likely benign or benign based on one or more of the following criteria: it is a conservative change, it occurs at a poorly conserved position in the protein, it is predicted to be benign by multiple in silico algorithms, and/or has population frequency not consistent with disease.

NM_181882.3(PRX):c.2967C>G (p.Leu989=)

Gene: PRX (periaxin; minus strand). Cytogenetic location: 19q13.2.
Variant type: single nucleotide variant.
Coding change: c.2967C>G on transcript NM_181882.3 (MANE Select); coding-DNA position 2967, C replaced by G.
Protein change: p.Leu989=; no amino-acid change (leucine 989 retained).
Molecular consequence: synonymous variant. On other transcripts: 3 prime UTR variant (1).
Genome position (GRCh38, 1-based): chr19:40,395,385, G>C on the plus strand (C>G on the coding strand, the complement: PRX is on the minus strand). VCF-style: chr19-40395385-G-C. GRCh37 (hg19) VCF-style: chr19-40901292-G-C.
Other names: c.*3172C>G (NM_020956.2).
Identifiers: ClinVar variation 386972 (VCV000386972.3), dbSNP rs1057522657, ClinGen allele CA16608160.